The following is an entry in ClinVar:

ClinVar aggregate classification (germline): Uncertain significance (1 of 4 stars; one submission).

Allele frequency attached by ClinVar (database versions not stated): gnomAD 0.00013; 1000 Genomes Project 30x 0.00031; TOPMed 0.00025; 1000 Genomes Project 0.00020.
gnomAD v4.1: 153 of 1,607,870 alleles (0.0095%); highest among the groups gnomAD compares: Admixed American, 0.065%; no homozygotes.

Submission:

Ambry Genetics
Classification: Uncertain significance. Last evaluated: 2025-05-26. Review status: criteria provided, single submitter. Criteria: Ambry Variant Classification Scheme 2023. Collection method: clinical testing. Allele origin: germline.
Comment: The c.643G>A (p.A215T) alteration is located in coding exon 6 of the CARS gene. This alteration results from a G to A substitution at nucleotide position 643, causing the alanine (A) at amino acid position 215 to be replaced by a threonine (T). Based on data from gnomAD, the A allele has an overall frequency of 0.016% (46/281554) total alleles studied. The highest observed frequency was 0.06% (21/35182) of Latino alleles. This amino acid position is highly conserved in available vertebrate species. The in silico prediction for this alteration is inconclusive. Based on insufficient or conflicting evidence, the clinical significance of this alteration remains unclear.

NM_001014437.3(CARS1):c.643G>A (p.Ala215Thr)

Genes: CARS1 (cysteinyl-tRNA synthetase 1; minus strand), CARS1-AS1 (CARS1 antisense RNA 1; plus strand). Cytogenetic location: 11p15.4.
Variant type: single nucleotide variant.
Coding change: c.643G>A on transcript NM_001014437.3 (MANE Select); coding-DNA position 643, G replaced by A.
Protein change: p.Ala215Thr; replaces alanine 215 with threonine.
Molecular consequence: missense variant. On other transcripts: non-coding transcript variant (4).
Genome position (GRCh38, 1-based): chr11:3,039,202, C>T on the plus strand (G>A on the coding strand, the complement: CARS1 is on the minus strand). VCF-style: chr11-3039202-C-T. GRCh37 (hg19) VCF-style: chr11-3060432-C-T.
Other names: c.643G>A, p.Ala215Thr (NM_001194997.2); c.433G>A, p.Ala145Thr (NM_001378136.1); c.364G>A, p.Ala122Thr (NM_001378137.1, NM_001378138.1, NM_001378139.1); c.118G>A, p.Ala40Thr (NM_001378140.1); c.394G>A, p.Ala132Thr (NM_001751.6, NM_139273.4); short protein forms A215T, A122T, A132T, A145T, A40T.
Identifiers: ClinVar variation 3137455 (VCV003137455.2), dbSNP rs558009289, ClinGen allele CA5824319.
Genomic context (GRCh38, chr11:3,039,202, plus strand): 5'-GAGAACAGAAAGCAAAGGGCTCGGTTTCTAGAGCAGACAGCAAGAGGCCCACCTTCAGGG[C>T]GGCCTGAACATCCTCCAAGAGCTGTGCCGCTTCAGGCCTCTTCTCCCGATACTGCTCGAA-3'
Protein context (NP_001014437.1, residues 205-225): AAQLLEDVQA[Ala215Thr]LKPFSVKLNE